The following is an entry in ClinVar:

ClinVar aggregate classification (germline): Uncertain significance. Review status: criteria provided, multiple submitters, no conflicts (2 of 4 stars). 2 submissions from 2 submitters: Uncertain significance (2). Last evaluated 2025-11-26.

Conditions:
Inborn genetic diseases. Identifiers: MedGen C0950123, MeSH D030342.
TYK2-related disorder. Also called: TYK2-related condition.

Allele frequency attached by ClinVar (database versions not stated): gnomAD 0.00002; TOPMed 0.00004; gnomAD exomes below 0.00001.
gnomAD v4.1: 5 of 1,499,080 alleles (0.00033%); highest among the groups gnomAD compares: Admixed American, 0.0044%; no homozygotes.

Submissions (2):

Ambry Genetics
Classification: Uncertain significance for Inborn genetic diseases. Last evaluated: 2025-11-26. Review status: criteria provided, single submitter. Criteria: Ambry Variant Classification Scheme 2023. Collection method: clinical testing. Allele origin: germline.

PreventionGenetics, part of Exact Sciences
Classification: Uncertain significance for TYK2-related condition. Last evaluated: 2022-10-19. Review status: criteria provided, single submitter. Criteria: ACMG Guidelines, 2015. Collection method: clinical testing. Allele origin: germline.
Comment: The TYK2 c.3004C>T variant is predicted to result in the amino acid substitution p.Leu1002Phe. To our knowledge, this variant has not been reported in the literature. This variant is reported in 0.12% of alleles in individuals of Latino descent in gnomAD. At this time, the clinical significance of this variant is uncertain due to the absence of conclusive functional and genetic evidence.

NM_003331.5(TYK2):c.3004C>T (p.Leu1002Phe)

Gene: TYK2 (tyrosine kinase 2; minus strand). Cytogenetic location: 19p13.2.
Variant type: single nucleotide variant.
Coding change: c.3004C>T on transcript NM_003331.5 (MANE Select); coding-DNA position 3004, C replaced by T.
Protein change: p.Leu1002Phe; replaces leucine 1002 with phenylalanine.
Molecular consequence: missense variant.
Genome position (GRCh38, 1-based): chr19:10,353,551, G>A on the plus strand (C>T on the coding strand, the complement: TYK2 is on the minus strand). VCF-style: chr19-10353551-G-A. GRCh37 (hg19) VCF-style: chr19-10464227-G-A.
Other names: c.3004C>T, p.Leu1002Phe (NM_001385197.1, NM_001385198.1, NM_001406461.1); c.2818C>T, p.Leu940Phe (NM_001385199.1); c.3001C>T, p.Leu1001Phe (NM_001385200.1); c.2806C>T, p.Leu936Phe (NM_001385201.1); c.2920C>T, p.Leu974Phe (NM_001385202.1); c.3085C>T, p.Leu1029Phe (NM_001385203.1); c.3214C>T, p.Leu1072Phe (NM_001385204.1); c.2914C>T, p.Leu972Phe (NM_001385205.1); and 2 more; short protein forms L1001F, L1002F, L1029F, L1072F, L936F, L940F, L960F, L972F.
Identifiers: ClinVar variation 2637365 (VCV002637365.2), dbSNP rs1039399074, ClinGen allele CA305193819.